The following is an entry in ClinVar:

ClinVar aggregate classification (germline): Uncertain significance (1 of 4 stars; one submission).

Conditions:
PKD1L1-related disorder. Also called: PKD1L1-related condition.

gnomAD v4.1: 19 of 1,613,394 alleles (0.0012%); highest among the groups gnomAD compares: South Asian, 0.011%; no homozygotes.

Submission:

PreventionGenetics, part of Exact Sciences
Classification: Uncertain significance for PKD1L1-related condition. Last evaluated: 2025-12-31. Review status: criteria provided, single submitter. Criteria: ACMG Guidelines, 2015. Collection method: clinical testing. Allele origin: germline.
Comment: The PKD1L1 c.5426C>T variant is predicted to result in the amino acid substitution p.Pro1809Leu. To our knowledge, this variant has not been reported in the literature. This variant is reported in 0.0054% of alleles in individuals of East Asian descent in gnomAD. At this time, the clinical significance of this variant is uncertain due to the absence of conclusive functional and genetic evidence.

NM_138295.5(PKD1L1):c.5426C>T (p.Pro1809Leu)

Gene: PKD1L1 (polycystin 1 like 1, transient receptor potential channel interacting; minus strand). Cytogenetic location: 7p12.3.
Variant type: single nucleotide variant.
Coding change: c.5426C>T on transcript NM_138295.5 (MANE Select); coding-DNA position 5426, C replaced by T.
Protein change: p.Pro1809Leu; replaces proline 1809 with leucine.
Molecular consequence: missense variant.
Genome position (GRCh38, 1-based): chr7:47,842,981, G>A on the plus strand (C>T on the coding strand, the complement: PKD1L1 is on the minus strand). VCF-style: chr7-47842981-G-A. GRCh37 (hg19) VCF-style: chr7-47882579-G-A.
Other names: short protein forms P1809L.
Identifiers: ClinVar variation 4985195 (VCV004985195.1).